The following is an entry in ClinVar:

NM_000465.4(BARD1):c.1744C>T (p.Gln582Ter)

Gene: BARD1 (BRCA1 associated RING domain 1; minus strand). Cytogenetic location: 2q35.
Variant type: single nucleotide variant.
Coding change: c.1744C>T on transcript NM_000465.4 (MANE Select); coding-DNA position 1744, C replaced by T.
Protein change: p.Gln582Ter; replaces glutamine 582 with a stop codon.
Molecular consequence: nonsense. On other transcripts: non-coding transcript variant (3), intron variant (1).
Genome position (GRCh38, 1-based): chr2:214,745,788, G>A on the plus strand (C>T on the coding strand, the complement: BARD1 is on the minus strand). VCF-style: chr2-214745788-G-A. GRCh37 (hg19) VCF-style: chr2-215610512-G-A.
Other names: c.1687C>T, p.Gln563Ter (NM_001282543.2); c.391C>T, p.Gln131Ter (NM_001282545.2); c.334C>T, p.Gln112Ter (NM_001282548.2); c.365-15280C>T (NM_001282549.2); short protein forms Q582*, Q563*, Q131*, Q112*.
Identifiers: ClinVar variation 479134 (VCV000479134.15), dbSNP rs1553615135, ClinGen allele CA350452992.

ClinVar aggregate classification (germline): Pathogenic. Review status: criteria provided, multiple submitters, no conflicts (2 of 4 stars). 3 submissions from 3 submitters: Pathogenic (3). Last evaluated 2024-11-11.

Conditions:
Hereditary cancer-predisposing syndrome. Also called: Neoplastic Syndromes, Hereditary; Hereditary Cancer Syndrome; Hereditary neoplastic syndrome; Tumor predisposition. Identifiers: Orphanet 140162, MedGen C0027672, MeSH D009386, MONDO:0015356.
Familial cancer of breast. Also called: BREAST CANCER, FAMILIAL; hereditary breast carcinoma; Hereditary breast cancer. Identifiers: Orphanet 227535, MedGen C0346153, MONDO:0016419, OMIM 114480. Disease mechanism: loss of function.

Submissions (3):

Labcorp Genetics (formerly Invitae), Labcorp
Classification: Pathogenic for Familial cancer of breast. Last evaluated: 2024-11-11. Review status: criteria provided, single submitter. Criteria: Invitae Variant Classification Sherloc (09022015). Collection method: clinical testing. Allele origin: germline.
Comment: This sequence change creates a premature translational stop signal (p.Gln582*) in the BARD1 gene. It is expected to result in an absent or disrupted protein product. Loss-of-function variants in BARD1 are known to be pathogenic (PMID: 20077502, 21344236). This variant is not present in population databases (gnomAD no frequency). This variant has not been reported in the literature in individuals affected with BARD1-related conditions. ClinVar contains an entry for this variant (Variation ID: 479134). Algorithms developed to predict the effect of sequence changes on RNA splicing suggest that this variant may disrupt the consensus splice site. For these reasons, this variant has been classified as Pathogenic.

Ambry Genetics
Classification: Pathogenic for Hereditary cancer-predisposing syndrome. Last evaluated: 2024-07-08. Review status: criteria provided, single submitter. Criteria: Ambry Variant Classification Scheme 2023. Collection method: clinical testing. Allele origin: germline.
Comment: The p.Q582* pathogenic mutation (also known as c.1744C>T), located in coding exon 8 of the BARD1 gene, results from a C to T substitution at nucleotide position 1744. This changes the amino acid from a glutamine to a stop codon within coding exon 8. This alteration is expected to result in loss of function by premature protein truncation or nonsense-mediated mRNA decay. In addition, this variant is considered to be rare based on population cohorts in the Genome Aggregation Database (gnomAD). As such, this alteration is interpreted as a disease-causing mutation.

Myriad Genetics, Inc.
Classification: Pathogenic for Familial cancer of breast. Last evaluated: 2023-05-24. Review status: criteria provided, single submitter. Criteria: Myriad Autosomal Dominant, Autosomal Recessive and X-Linked Classification Criteria (2023). Collection method: clinical testing. Allele origin: unknown.
Comment: This variant is considered pathogenic. This variant creates a termination codon and is predicted to result in premature protein truncation.

Literature cited by the submitters: PubMed 20077502 (cited by Labcorp Genetics (formerly Invitae), Labcorp); PubMed 21344236 (cited by Labcorp Genetics (formerly Invitae), Labcorp).